The following is an entry in ClinVar:

ClinVar aggregate classification (germline): Uncertain significance (1 of 4 stars; one submission).

Allele frequency attached by ClinVar (database versions not stated): gnomAD exomes 0.00001.
gnomAD v4.1: 3 of 1,613,472 alleles (0.00019%); highest among the groups gnomAD compares: South Asian, 0.0033%; 1 homozygote.

Submission:

Labcorp Genetics (formerly Invitae), Labcorp
Classification: Uncertain significance. Last evaluated: 2023-03-26. Review status: criteria provided, single submitter. Criteria: Invitae Variant Classification Sherloc (09022015). Collection method: clinical testing. Allele origin: germline.
Comment: In summary, the available evidence is currently insufficient to determine the role of this variant in disease. Therefore, it has been classified as a Variant of Uncertain Significance. This sequence change replaces serine, which is neutral and polar, with asparagine, which is neutral and polar, at codon 2919 of the VPS13D protein (p.Ser2919Asn). This variant is not present in population databases (gnomAD no frequency). This variant has not been reported in the literature in individuals affected with VPS13D-related conditions. Advanced modeling of protein sequence and biophysical properties (such as structural, functional, and spatial information, amino acid conservation, physicochemical variation, residue mobility, and thermodynamic stability) performed at Invitae indicates that this missense variant is not expected to disrupt VPS13D protein function.

NM_015378.4(VPS13D):c.8756G>A (p.Ser2919Asn)

Gene: VPS13D (vacuolar protein sorting 13 homolog D; plus strand). Cytogenetic location: 1p36.22.
Variant type: single nucleotide variant.
Coding change: c.8756G>A on transcript NM_015378.4 (MANE Select); coding-DNA position 8756, G replaced by A.
Protein change: p.Ser2919Asn; replaces serine 2919 with asparagine.
Molecular consequence: missense variant.
Genome position (GRCh38, 1-based): chr1:12,342,922, G>A. VCF-style: chr1-12342922-G-A. GRCh37 (hg19) VCF-style: chr1-12402979-G-A.
Other names: c.8681G>A, p.Ser2894Asn (NM_018156.4); short protein forms S2919N, S2894N.
Identifiers: ClinVar variation 2849776 (VCV002849776.3), dbSNP rs2524321878, ClinGen allele CA338489669.